The following is an entry in ClinVar:

NM_015192.4(PLCB1):c.3292A>G (p.Met1098Val)

Gene: PLCB1 (phospholipase C beta 1; plus strand). Cytogenetic location: 20p12.3.
Variant type: single nucleotide variant.
Coding change: c.3292A>G on transcript NM_015192.4 (MANE Select); coding-DNA position 3292, A replaced by G.
Protein change: p.Met1098Val; replaces methionine 1098 with valine.
Molecular consequence: missense variant.
Genome position (GRCh38, 1-based): chr20:8,789,531, A>G. VCF-style: chr20-8789531-A-G. GRCh37 (hg19) VCF-style: chr20-8770178-A-G.
Other names: c.3292A>G (NM_015192.2); c.3292A>G, p.Met1098Val (NM_182734.3); short protein forms M1098V.
Identifiers: ClinVar variation 861390 (VCV000861390.8), dbSNP rs1325949995, ClinGen allele CA408209889.
Genomic context (GRCh38, chr20:8,789,531, plus strand): 5'-AATTCTGGATGAATTGGTATAATGATGTATTCATCATTTGCTTTTAGGGAGAAGACAGAG[A>G]TGATCCGGTCATATATCCAGGAAGTGGTGCAGTATATCAAGAGGGTATGTGGGCTCATCA-3'
Protein context (NP_056007.1, residues 1088-1108): KSQMEEEKTE[Met1098Val]IRSYIQEVVQ

ClinVar aggregate classification (germline): Uncertain significance. Review status: criteria provided, multiple submitters, no conflicts (2 of 4 stars). 2 submissions from 2 submitters: Uncertain significance (2). Last evaluated 2022-11-09.

Conditions:
Developmental and epileptic encephalopathy, 12 (DEE12). Identifiers: MedGen C3150988, MONDO:0013389, OMIM 613722.
Inborn genetic diseases. Identifiers: MedGen C0950123, MeSH D030342.

Allele frequency attached by ClinVar (database versions not stated): gnomAD exomes below 0.00001; gnomAD 0.00001; TOPMed 0.00001.

Submissions (2):

Ambry Genetics
Classification: Uncertain significance for Inborn genetic diseases. Last evaluated: 2022-11-09. Review status: criteria provided, single submitter. Criteria: Ambry Variant Classification Scheme 2023. Collection method: clinical testing. Allele origin: germline.

Labcorp Genetics (formerly Invitae), Labcorp
Classification: Uncertain significance for Developmental and epileptic encephalopathy, 12. Last evaluated: 2021-11-25. Review status: criteria provided, single submitter. Criteria: Invitae Variant Classification Sherloc (09022015). Collection method: clinical testing. Allele origin: germline.
Comment: ClinVar contains an entry for this variant (Variation ID: 861390). In summary, the available evidence is currently insufficient to determine the role of this variant in disease. Therefore, it has been classified as a Variant of Uncertain Significance. Algorithms developed to predict the effect of sequence changes on RNA splicing suggest that this variant may create or strengthen a splice site. Algorithms developed to predict the effect of missense changes on protein structure and function (SIFT, PolyPhen-2, Align-GVGD) all suggest that this variant is likely to be tolerated. This variant has not been reported in the literature in individuals affected with PLCB1-related conditions. This variant is not present in population databases (gnomAD no frequency). This sequence change replaces methionine, which is neutral and non-polar, with valine, which is neutral and non-polar, at codon 1098 of the PLCB1 protein (p.Met1098Val).